The following is an entry in ClinVar:

ClinVar aggregate classification (germline): Uncertain significance (1 of 4 stars; one submission).

Conditions:
Alstrom syndrome (ALMS). Identifiers: Orphanet 64, MedGen C0268425, MONDO:0008763, OMIM 203800.

Submissions (2):

Labcorp Genetics (formerly Invitae), Labcorp
Classification: Uncertain significance for Alstrom syndrome. Last evaluated: 2022-04-16. Review status: criteria provided, single submitter. Criteria: Invitae Variant Classification Sherloc (09022015). Collection method: clinical testing. Allele origin: germline.
Comment: This sequence change replaces glutamine, which is neutral and polar, with glutamic acid, which is acidic and polar, at codon 2990 of the ALMS1 protein (p.Gln2990Glu). In summary, the available evidence is currently insufficient to determine the role of this variant in disease. Therefore, it has been classified as a Variant of Uncertain Significance. Experimental studies and prediction algorithms are not available or were not evaluated, and the functional significance of this variant is currently unknown. This variant has not been reported in the literature in individuals affected with ALMS1-related conditions. This variant is not present in population databases (gnomAD no frequency).

Dr. Peter K. Rogan Lab, Western University
No classification provided (evidence only). Condition: Malignant tumor of urinary bladder. Review status: no classification provided. Collection method: in vitro. Allele origin: not applicable. Functional consequence: retained intron. Not counted in ClinVar's aggregate classification.

NM_001378454.1(ALMS1):c.8965C>G (p.Gln2989Glu)

Gene: ALMS1 (ALMS1 centrosome and basal body associated protein; plus strand). Cytogenetic location: 2p13.1.
Variant type: single nucleotide variant.
Coding change: c.8965C>G on transcript NM_001378454.1 (MANE Select); coding-DNA position 8965, C replaced by G.
Protein change: p.Gln2989Glu; replaces glutamine 2989 with glutamic acid.
Molecular consequence: missense variant.
Genome position (GRCh38, 1-based): chr2:73,490,924, C>G. VCF-style: chr2-73490924-C-G. GRCh37 (hg19) VCF-style: chr2-73718051-C-G.
Other names: c.8968C>G, p.Gln2990Glu (NM_015120.4); short protein forms Q2990E, Q2989E.
Identifiers: ClinVar variation 2126857 (VCV002126857.5), dbSNP rs2103894102, ClinGen allele CA347271976.